The following is an entry in ClinVar:

NC_000023.10:g.(?_148577857)_(148579858_?)del

Gene: IDS (iduronate 2-sulfatase; minus strand). Cytogenetic location: Xq28.
Variant type: Deletion.
Identifiers: ClinVar variation 830530 (VCV000830530.7).

ClinVar aggregate classification (germline): Pathogenic (1 of 4 stars; one submission).

Conditions:
Mucopolysaccharidosis, MPS-II (MPS2). Also called: Attenuated MPS (subtype; formerly known as mild MPS II); Severe MPS II; I2S deficiency; MPS 2; Hunter Syndrome; IDURONATE 2-SULFATASE DEFICIENCY. Identifiers: Orphanet 580, Orphanet 79388, MedGen C0026705, MONDO:0010674, OMIM 309900.

Submission:

Labcorp Genetics (formerly Invitae), Labcorp
Classification: Pathogenic for Mucopolysaccharidosis, MPS-II. Last evaluated: 2019-08-22. Review status: criteria provided, single submitter. Criteria: Invitae Variant Classification Sherloc (09022015). Collection method: clinical testing. Allele origin: germline.
Comment: For these reasons, this variant has been classified as Pathogenic. This variant disrupts exons 5-6 in IDS. Other in-frame deletions that disrupt this region have been observed in individuals with IDS-related conditions (PMID: 30639582, 24125893, 9921913), which suggests that this may be a clinically significant region of the protein This variant has been observed in an individual affected with mucopolysaccharidosis type II (PMID: 9921913). This variant is an in-frame deletion of the genomic region encompassing exons 5-6 of the IDS gene. It preserves the integrity of the reading frame.

Literature cited by the submitters: PubMed 30639582; PubMed 24125893; PubMed 9921913.